The following is an entry in ClinVar:

NM_020163.3(SEMA3G):c.1532G>A (p.Arg511Gln)

Gene: SEMA3G (semaphorin 3G; minus strand). Cytogenetic location: 3p21.1.
Variant type: single nucleotide variant.
Coding change: c.1532G>A on transcript NM_020163.3 (MANE Select); coding-DNA position 1532, G replaced by A.
Protein change: p.Arg511Gln; replaces arginine 511 with glutamine.
Molecular consequence: missense variant.
Genome position (GRCh38, 1-based): chr3:52,438,177, C>T on the plus strand (G>A on the coding strand, the complement: SEMA3G is on the minus strand). VCF-style: chr3-52438177-C-T. GRCh37 (hg19) VCF-style: chr3-52472193-C-T.
Other names: short protein forms R511Q.
Identifiers: ClinVar variation 4989867 (VCV004989867.1).

ClinVar aggregate classification (germline): Uncertain significance (1 of 4 stars; one submission).

Conditions:
SEMA3G-related disorder. Also called: SEMA3G-related condition.

gnomAD v4.1: 24 of 1,613,054 alleles (0.0015%); highest among the groups gnomAD compares: South Asian, 0.016%; no homozygotes.

Submission:

PreventionGenetics, part of Exact Sciences
Classification: Uncertain significance for SEMA3G-related condition. Last evaluated: 2025-07-30. Review status: criteria provided, single submitter. Criteria: ACMG Guidelines, 2015. Collection method: clinical testing. Allele origin: germline.
Comment: The SEMA3G c.1532G>A variant is predicted to result in the amino acid substitution p.Arg511Gln. To our knowledge, this variant has not been reported in the literature. This variant is reported in 0.013% of alleles in individuals of South Asian descent in gnomAD. At this time, the clinical significance of this variant is uncertain due to the absence of conclusive functional and genetic evidence.